The following is an entry in ClinVar:

ClinVar aggregate classification (germline): Uncertain significance (1 of 4 stars; one submission).

Allele frequency attached by ClinVar (database versions not stated): ExAC 0.00001.

Submission:

Labcorp Genetics (formerly Invitae), Labcorp
Classification: Uncertain significance. Last evaluated: 2024-02-17. Review status: criteria provided, single submitter. Criteria: Invitae Variant Classification Sherloc (09022015). Collection method: clinical testing. Allele origin: germline.
Comment: This sequence change replaces asparagine, which is neutral and polar, with histidine, which is basic and polar, at codon 573 of the FRMD7 protein (p.Asn573His). This variant is present in population databases (rs757682240, gnomAD 0.005%). This variant has not been reported in the literature in individuals affected with FRMD7-related conditions. ClinVar contains an entry for this variant (Variation ID: 1717187). Algorithms developed to predict the effect of missense changes on protein structure and function output the following: SIFT: "Not Available"; PolyPhen-2: "Benign"; Align-GVGD: "Not Available". The histidine amino acid residue is found in multiple mammalian species, which suggests that this missense change does not adversely affect protein function. In summary, the available evidence is currently insufficient to determine the role of this variant in disease. Therefore, it has been classified as a Variant of Uncertain Significance.

NM_194277.3(FRMD7):c.1717A>C (p.Asn573His)

Gene: FRMD7 (FERM domain containing 7; minus strand). Cytogenetic location: Xq26.2.
Variant type: single nucleotide variant.
Coding change: c.1717A>C on transcript NM_194277.3 (MANE Select); coding-DNA position 1717, A replaced by C.
Protein change: p.Asn573His; replaces asparagine 573 with histidine.
Molecular consequence: missense variant.
Genome position (GRCh38, 1-based): chrX:132,078,300, T>G on the plus strand (A>C on the coding strand, the complement: FRMD7 is on the minus strand). VCF-style: chrX-132078300-T-G. GRCh37 (hg19) VCF-style: chrX-131212328-T-G.
Other names: c.1672A>C, p.Asn558His (NM_001306193.2); short protein forms N558H, N573H.
Identifiers: ClinVar variation 1717187 (VCV001717187.5), dbSNP rs757682240, ClinGen allele CA10518828.